The following is an entry in ClinVar:

ClinVar aggregate classification (germline): Uncertain significance (1 of 4 stars; one submission).

Submission:

Labcorp Genetics (formerly Invitae), Labcorp
Classification: Uncertain significance. Last evaluated: 2024-10-24. Review status: criteria provided, single submitter. Criteria: Invitae Variant Classification Sherloc (09022015). Collection method: clinical testing. Allele origin: germline.
Comment: This sequence change falls in intron 5 of the KIF20A gene. It does not directly change the encoded amino acid sequence of the KIF20A protein. It affects a nucleotide within the consensus splice site. This variant is not present in population databases (gnomAD no frequency). This variant has not been reported in the literature in individuals affected with KIF20A-related conditions. Variants that disrupt the consensus splice site are a relatively common cause of aberrant splicing (PMID: 17576681, 9536098). Algorithms developed to predict the effect of sequence changes on RNA splicing suggest that this variant is not likely to affect RNA splicing. In summary, the available evidence is currently insufficient to determine the role of this variant in disease. Therefore, it has been classified as a Variant of Uncertain Significance.

Literature cited by the submitters: PubMed 17576681; PubMed 9536098.

NM_005733.3(KIF20A):c.514+4A>G

Gene: KIF20A (kinesin family member 20A; plus strand). Cytogenetic location: 5q31.2.
Variant type: single nucleotide variant.
Coding change: c.514+4A>G on transcript NM_005733.3 (MANE Select); 4 bases into the intron after coding-DNA position 514, A replaced by G.
Molecular consequence: intron variant.
Genome position (GRCh38, 1-based): chr5:138,182,465, A>G. VCF-style: chr5-138182465-A-G. GRCh37 (hg19) VCF-style: chr5-137518154-A-G.
Identifiers: ClinVar variation 3723602 (VCV003723602.2).